The following is an entry in ClinVar:

NM_000059.4(BRCA2):c.3610G>T (p.Ala1204Ser)

Gene: BRCA2 (BRCA2 DNA repair associated; plus strand). Cytogenetic location: 13q13.1.
Variant type: single nucleotide variant.
Coding change: c.3610G>T on transcript NM_000059.4 (MANE Select); coding-DNA position 3610, G replaced by T.
Protein change: p.Ala1204Ser; replaces alanine 1204 with serine.
Molecular consequence: missense variant.
Genome position (GRCh38, 1-based): chr13:32,337,965, G>T. VCF-style: chr13-32337965-G-T. GRCh37 (hg19) VCF-style: chr13-32912102-G-T.
Other names: short protein forms A1204S.
Identifiers: ClinVar variation 531348 (VCV000531348.18), dbSNP rs1555283309, ClinGen allele CA387777536.

ClinVar aggregate classification (germline): Conflicting classifications of pathogenicity. Review status: criteria provided, conflicting classifications (1 of 4 stars). 6 submissions from 6 submitters: Uncertain significance (5); Likely benign (1). Last evaluated 2025-10-03.

Conditions:
Hereditary breast ovarian cancer syndrome. Also called: Hereditary breast and ovarian cancer syndrome (HBOC); BRCA1- and BRCA2-Associated Hereditary Breast and Ovarian Cancer; Hereditary breast and ovarian cancer syndrome; Breast and ovarian cancer; Hereditary breast and ovarian cancer; Hereditary breast and/or ovarian cancer syndrome. Identifiers: Orphanet 145, MedGen C0677776, MeSH D061325, MONDO:0003582. Disease mechanism: loss of function.
Hereditary cancer-predisposing syndrome. Also called: Hereditary neoplastic syndrome; Neoplastic Syndromes, Hereditary; Tumor predisposition; Hereditary Cancer Syndrome. Identifiers: Orphanet 140162, MedGen C0027672, MeSH D009386, MONDO:0015356.

Submissions (6):

Color Diagnostics, LLC DBA Color Health
Classification: Uncertain significance for Hereditary cancer-predisposing syndrome. Last evaluated: 2025-10-03. Review status: criteria provided, single submitter. Criteria: ACMG Guidelines, 2015. Collection method: clinical testing. Allele origin: germline.
Comment: This missense variant replaces alanine with serine at codon 1204 of the BRCA2 protein. Computational prediction suggests that this variant may not impact protein structure and function. To our knowledge, functional studies have not been reported for this variant. This variant has not been reported in individuals affected with BRCA2-related disorders in the literature. This variant has not been identified in the general population by the Genome Aggregation Database (gnomAD). The available evidence is insufficient to determine the role of this variant in disease conclusively. Therefore, this variant is classified as a Variant of Uncertain Significance.

Labcorp Genetics (formerly Invitae), Labcorp
Classification: Uncertain significance for Hereditary breast ovarian cancer syndrome. Last evaluated: 2024-02-29. Review status: criteria provided, single submitter. Criteria: Invitae Variant Classification Sherloc (09022015). Collection method: clinical testing. Allele origin: germline.
Comment: This sequence change replaces alanine, which is neutral and non-polar, with serine, which is neutral and polar, at codon 1204 of the BRCA2 protein (p.Ala1204Ser). This variant is not present in population databases (gnomAD no frequency). This variant has not been reported in the literature in individuals affected with BRCA2-related conditions. ClinVar contains an entry for this variant (Variation ID: 531348). Advanced modeling of protein sequence and biophysical properties (such as structural, functional, and spatial information, amino acid conservation, physicochemical variation, residue mobility, and thermodynamic stability) performed at Invitae indicates that this missense variant is not expected to disrupt BRCA2 protein function with a negative predictive value of 95%. In summary, the available evidence is currently insufficient to determine the role of this variant in disease. Therefore, it has been classified as a Variant of Uncertain Significance.

Ambry Genetics
Classification: Uncertain significance for Hereditary cancer-predisposing syndrome. Last evaluated: 2024-02-28. Review status: criteria provided, single submitter. Criteria: Ambry Variant Classification Scheme 2023. Collection method: clinical testing. Allele origin: germline.
Comment: The p.A1204S variant (also known as c.3610G>T), located in coding exon 10 of the BRCA2 gene, results from a G to T substitution at nucleotide position 3610. The alanine at codon 1204 is replaced by serine, an amino acid with similar properties. This amino acid position is poorly conserved in available vertebrate species. In addition, this alteration is predicted to be tolerated by in silico analysis. Since supporting evidence is limited at this time, the clinical significance of this alteration remains unclear.

GeneDx
Classification: Uncertain significance. Last evaluated: 2023-12-31. Review status: criteria provided, single submitter. Criteria: GeneDx Variant Classification Process June 2021. Collection method: clinical testing. Allele origin: germline. Affected: yes.
Comment: Not observed at significant frequency in large population cohorts (gnomAD); In silico analysis supports that this missense variant does not alter protein structure/function; Has not been previously published as pathogenic or benign to our knowledge; Also known as 3838G>T

University of Washington Department of Laboratory Medicine, University of Washington
Classification: Likely benign for Hereditary cancer-predisposing syndrome. Last evaluated: 2023-03-23. Review status: criteria provided, single submitter. Criteria: Dines et al. (Genet Med. 2020). Collection method: curation. Allele origin: germline.
Comment: Missense variant in a coldspot region where missense variants are very unlikely to be pathogenic (PMID:31911673).

BRCA2 exon 11 coldspot. Reclassification based on statistical prior probability.

Revvity Omics, Revvity
Classification: Uncertain significance. Last evaluated: 2022-04-11. Review status: criteria provided, single submitter. Criteria: ACMG Guidelines, 2015. Collection method: clinical testing. Allele origin: germline.